The following is an entry in ClinVar:

NM_004260.4(RECQL4):c.3493C>T (p.His1165Tyr)

Gene: RECQL4 (RecQ like helicase 4; minus strand). Cytogenetic location: 8q24.3.
Variant type: single nucleotide variant.
Coding change: c.3493C>T on transcript NM_004260.4 (MANE Select); coding-DNA position 3493, C replaced by T.
Protein change: p.His1165Tyr; replaces histidine 1165 with tyrosine.
Molecular consequence: missense variant.
Genome position (GRCh38, 1-based): chr8:144,511,690, G>A on the plus strand (C>T on the coding strand, the complement: RECQL4 is on the minus strand). VCF-style: chr8-144511690-G-A. GRCh37 (hg19) VCF-style: chr8-145737073-G-A.
Other names: c.3493C>T (NM_004260.3); c.3199C>T, p.His1067Tyr (NM_001413017.1); c.3295C>T, p.His1099Tyr (NM_001413018.1); c.3568C>T, p.His1190Tyr (NM_001413019.1); c.3397C>T, p.His1133Tyr (NM_001413020.1); c.2422C>T, p.His808Tyr (NM_001413021.1, NM_001413022.1, NM_001413024.1 and 4 more transcripts); c.2497C>T, p.His833Tyr (NM_001413023.1); c.3364C>T, p.His1122Tyr (NM_001413025.1); and 10 more; short protein forms H1099Y, H1165Y, H1122Y, H1190Y, H742Y, H786Y, H808Y, H833Y.
Identifiers: ClinVar variation 1945148 (VCV001945148.6), dbSNP rs774202918, ClinGen allele CA4947719.

ClinVar aggregate classification (germline): Uncertain significance. Review status: criteria provided, multiple submitters, no conflicts (2 of 4 stars). 2 submissions from 2 submitters: Uncertain significance (2). Last evaluated 2026-07-20.

Conditions:
Inborn genetic diseases. Identifiers: MedGen C0950123, MeSH D030342.
Baller-Gerold syndrome (BGS). Also called: CRANIOSYNOSTOSIS WITH RADIAL DEFECTS. Identifiers: Orphanet 1225, MedGen C0265308, MONDO:0009039, OMIM 218600.

Allele frequency attached by ClinVar (database versions not stated): gnomAD 0.00001; TOPMed below 0.00001; ExAC 0.00002.
gnomAD v4.1: 4 of 1,612,336 alleles (0.00025%); highest among the groups gnomAD compares: Admixed American, 0.0033%; no homozygotes.

Submissions (2):

Ambry Genetics
Classification: Uncertain significance for Inborn genetic diseases. Last evaluated: 2026-07-20. Review status: criteria provided, single submitter. Criteria: Ambry Variant Classification Scheme 2023. Collection method: clinical testing. Allele origin: germline.
Comment: The p.H1165Y variant (also known as c.3493C>T), located in coding exon 20 of the RECQL4 gene, results from a C to T substitution at nucleotide position 3493. The histidine at codon 1165 is replaced by tyrosine, an amino acid with similar properties. This amino acid position is conserved. Based on the available evidence, the clinical significance of this variant remains unclear.

Labcorp Genetics (formerly Invitae), Labcorp
Classification: Uncertain significance for Baller-Gerold syndrome. Last evaluated: 2022-05-27. Review status: criteria provided, single submitter. Criteria: Invitae Variant Classification Sherloc (09022015). Collection method: clinical testing. Allele origin: germline.
Comment: This variant is present in population databases (rs774202918, gnomAD 0.006%). In summary, the available evidence is currently insufficient to determine the role of this variant in disease. Therefore, it has been classified as a Variant of Uncertain Significance. Experimental studies and prediction algorithms are not available or were not evaluated, and the functional significance of this variant is currently unknown. This variant has not been reported in the literature in individuals affected with RECQL4-related conditions. This sequence change replaces histidine, which is basic and polar, with tyrosine, which is neutral and polar, at codon 1165 of the RECQL4 protein (p.His1165Tyr).